The following is an entry in ClinVar:

NM_018010.4(IFT57):c.64G>A (p.Gly22Ser)

Gene: IFT57 (intraflagellar transport 57; minus strand). Cytogenetic location: 3q13.13.
Variant type: single nucleotide variant.
Coding change: c.64G>A on transcript NM_018010.4 (MANE Select); coding-DNA position 64, G replaced by A.
Protein change: p.Gly22Ser; replaces glycine 22 with serine.
Molecular consequence: missense variant.
Genome position (GRCh38, 1-based): chr3:108,222,259, C>T on the plus strand (G>A on the coding strand, the complement: IFT57 is on the minus strand). VCF-style: chr3-108222259-C-T. GRCh37 (hg19) VCF-style: chr3-107941106-C-T.
Other names: short protein forms G22S.
Identifiers: ClinVar variation 1376994 (VCV001376994.8), dbSNP rs762869978, ClinGen allele CA353912535.

ClinVar aggregate classification (germline): Uncertain significance (1 of 4 stars; one submission).

Allele frequency attached by ClinVar (database versions not stated): TOPMed 0.00001.
gnomAD v4.1: 2 of 1,614,092 alleles (0.00012%); highest among the groups gnomAD compares: Admixed American, 0.0033%; no homozygotes.

Submission:

Labcorp Genetics (formerly Invitae), Labcorp
Classification: Uncertain significance. Last evaluated: 2021-04-29. Review status: criteria provided, single submitter. Criteria: Invitae Variant Classification Sherloc (09022015). Collection method: clinical testing. Allele origin: germline.
Comment: This sequence change replaces glycine with serine at codon 22 of the IFT57 protein (p.Gly22Ser). The glycine residue is moderately conserved and there is a small physicochemical difference between glycine and serine. In summary, the available evidence is currently insufficient to determine the role of this variant in disease. Therefore, it has been classified as a Variant of Uncertain Significance. Algorithms developed to predict the effect of missense changes on protein structure and function (SIFT, PolyPhen-2, Align-GVGD) all suggest that this variant is likely to be tolerated, but these predictions have not been confirmed by published functional studies and their clinical significance is uncertain. This variant has not been reported in the literature in individuals with IFT57-related conditions. This variant is not present in population databases (ExAC no frequency).